The following is an entry in ClinVar:

NM_000016.6(ACADM):c.468+3G>T

Gene: ACADM (acyl-CoA dehydrogenase medium chain; plus strand). Cytogenetic location: 1p31.1.
Variant type: single nucleotide variant.
Coding change: c.468+3G>T on transcript NM_000016.6 (MANE Select); 3 bases into the intron after coding-DNA position 468, G replaced by T.
Molecular consequence: intron variant.
Genome position (GRCh38, 1-based): chr1:75,734,874, G>T. VCF-style: chr1-75734874-G-T. GRCh37 (hg19) VCF-style: chr1-76200559-G-T.
Other names: c.480+3G>T (NM_001127328.3); c.567+3G>T (NM_001286043.2); c.360+3G>T (NM_001286042.2); c.-100+1952G>T (NM_001286044.2).
Identifiers: ClinVar variation 1919304 (VCV001919304.2), dbSNP rs967269717, ClinGen allele CA24624823.
Genomic context (GRCh38, chr1:75,734,874, plus strand): 5'-AAATGATCAACAAAAGAAGAAGTATTTGGGGAGAATGACTGAGGAGCCATTGATGTGTGT[G>T]AGTATGTGTAACTGCCGCTTTATTTCACACTTAAGAAGGGAACAAAGGTGCTATTTCTCC-3'

ClinVar aggregate classification (germline): Uncertain significance (1 of 4 stars; one submission).

Conditions:
Medium-chain acyl-coenzyme A dehydrogenase deficiency (ACADMD). Also called: ACADM DEFICIENCY; MCADH DEFICIENCY; Medium chain acyl-CoA dehydrogenase deficiency; MCAD Deficiency; MCADD; CARNITINE DEFICIENCY SECONDARY TO MEDIUM-CHAIN ACYL-CoA DEHYDROGENASE DEFICIENCY. Identifiers: Orphanet 42, MedGen C0220710, MONDO:0008721, OMIM 201450.

Allele frequency attached by ClinVar (database versions not stated): gnomAD exomes below 0.00001; TOPMed below 0.00001.
gnomAD v4.1: 5 of 1,609,904 alleles (0.00031%); highest among the groups gnomAD compares: South Asian, 0.0011%; no homozygotes.

Submission:

Labcorp Genetics (formerly Invitae), Labcorp
Classification: Uncertain significance for Medium-chain acyl-coenzyme A dehydrogenase deficiency. Last evaluated: 2022-04-06. Review status: criteria provided, single submitter. Criteria: Invitae Variant Classification Sherloc (09022015). Collection method: clinical testing. Allele origin: germline.
Comment: This sequence change falls in intron 6 of the ACADM gene. It does not directly change the encoded amino acid sequence of the ACADM protein. It affects a nucleotide within the consensus splice site. This variant is not present in population databases (gnomAD no frequency). This variant has not been reported in the literature in individuals affected with ACADM-related conditions. Variants that disrupt the consensus splice site are a relatively common cause of aberrant splicing (PMID: 17576681, 9536098). Algorithms developed to predict the effect of sequence changes on RNA splicing suggest that this variant may disrupt the consensus splice site. In summary, the available evidence is currently insufficient to determine the role of this variant in disease. Therefore, it has been classified as a Variant of Uncertain Significance.

Literature cited by the submitters: PubMed 17576681; PubMed 9536098.